The following is an entry in ClinVar:

ClinVar aggregate classification (germline): Pathogenic/Likely pathogenic. Review status: criteria provided, multiple submitters, no conflicts (2 of 4 stars). 4 submissions from 3 submitters: Pathogenic (1); Likely pathogenic (3). Last evaluated 2023-04-11.

Conditions:
Encephalopathy due to GLUT1 deficiency. Also called: GLUCOSE TRANSPORT DEFECT, BLOOD-BRAIN BARRIER; Glucose transporter protein syndrome; GLUT1 deficiency syndrome 1; GLUT1 deficiency syndrome 1, infantile onset, severe; Classic Glucose Transporter Type 1 Deficiency Syndrome; De Vivo disease. Identifiers: Orphanet 71277, MedGen C4551966, MONDO:0011724, OMIM 606777.
Intellectual disability. Also called: Intellectual functioning disability; Intellectual developmental disorder; intellectual disabilities. Identifiers: MedGen C3714756, MeSH D008607, MONDO:0001071, HP:0001249.

Submissions (4):

Genome-Nilou Lab
Classification: Likely pathogenic for Encephalopathy due to GLUT1 deficiency. Last evaluated: 2023-04-11. Review status: criteria provided, single submitter. Criteria: ACMG Guidelines, 2015. Collection method: clinical testing. Allele origin: germline. Affected: no.

GeneDx
Classification: Pathogenic. Last evaluated: 2020-12-08. Review status: criteria provided, single submitter. Criteria: GeneDx Variant Classification Process June 2021. Collection method: clinical testing. Allele origin: germline. Affected: yes.
Comment: Published functional studies demonstrate that R153L reduces transport activity, ATB-BMPA photolabeling, and cytochaslasin B binding; in addition, glucose transport activity in R153L mutants was approximately 50% lower than in the wild type (Schurmann et al., 1997).; Not observed in large population cohorts (Lek et al., 2016); Observed in monozygotic twin girls with Glut1 deficiency syndrome, who presented with ataxia, fasting intolerance, and acquired microcephaly, but no epilepsy (Klepper et al., 2007); This variant is associated with the following publications: (PMID: 9335548, 17718830, 28018440, 29655203)

Institute of Human Genetics, University of Leipzig Medical Center
Classification: Likely pathogenic for Intellectual disability. Last evaluated: 2020-08-03. Review status: criteria provided, single submitter. Criteria: ACMG Guidelines, 2015. Collection method: clinical testing. Allele origin: unknown. Affected: yes.
Comment: Inheritance for this variant was unknown. The variant likely explains the NDD in this individual.

Institute of Human Genetics, University of Leipzig Medical Center
Classification: Likely pathogenic for Encephalopathy due to GLUT1 deficiency. Last evaluated: 2018-07-12. Review status: criteria provided, single submitter. Criteria: ACMG Guidelines, 2015. Collection method: clinical testing. Allele origin: germline. Affected: yes. Observed: 1 variant allele.

NM_006516.4(SLC2A1):c.458G>T (p.Arg153Leu)

Gene: SLC2A1 (solute carrier family 2 member 1; minus strand). Cytogenetic location: 1p34.2.
Variant type: single nucleotide variant.
Coding change: c.458G>T on transcript NM_006516.4 (MANE Select); coding-DNA position 458, G replaced by T.
Protein change: p.Arg153Leu; replaces arginine 153 with leucine.
Molecular consequence: missense variant.
Genome position (GRCh38, 1-based): chr1:42,930,684, C>A on the plus strand (G>T on the coding strand, the complement: SLC2A1 is on the minus strand). VCF-style: chr1-42930684-C-A. GRCh37 (hg19) VCF-style: chr1-43396355-C-A.
Other names: p.R153L:CGT>CTT; short protein forms R153L.
Identifiers: ClinVar variation 207227 (VCV000207227.5), dbSNP rs794727642, ClinGen allele CA318491.
Genomic context (GRCh38, chr1:42,930,684, plus strand): 5'-ACCTGGGCGATGAGGATGCCGACGACGATGCCCAGCTGGTGCAGGGTGCCCAGGGCCCCA[C>A]GAAGGGCTGTGGGTGACACTTCACCCACATACATGGGCACGAAGCCTGTGGTCAGGCCGC-3'
Protein context (NP_006507.2, residues 143-163): YVGEVSPTAL[Arg153Leu]GALGTLHQLG